The following is an entry in ClinVar:

ClinVar aggregate classification (germline): Conflicting classifications of pathogenicity. Review status: criteria provided, conflicting classifications (1 of 4 stars). 2 submissions from 2 submitters: Uncertain significance (1); Likely benign (1). Last evaluated 2023-03-16.

Conditions:
Hereditary cancer-predisposing syndrome. Also called: Hereditary Cancer Syndrome; Tumor predisposition; Hereditary neoplastic syndrome; Neoplastic Syndromes, Hereditary. Identifiers: Orphanet 140162, MedGen C0027672, MeSH D009386, MONDO:0015356.
Ataxia-telangiectasia syndrome (AT). Also called: ATAXIA-TELANGIECTASIA, FRESNO VARIANT; Ataxia-telangiectasia, complementation group E; ATAXIA-TELANGIECTASIA, COMPLEMENTATION GROUP A; LOUIS-BAR SYNDROME; Ataxia-telangiectasia, complementation group D; AT, COMPLEMENTATION GROUP C. Identifiers: Orphanet 100, MedGen C0004135, MONDO:0008840, OMIM 208900.

Allele frequency attached by ClinVar (database versions not stated): gnomAD exomes below 0.00001; ExAC 0.00001.
gnomAD v4.1: 1 of 1,612,922 alleles (0.000062%); no homozygotes.

Submissions (2):

Labcorp Genetics (formerly Invitae), Labcorp
Classification: Uncertain significance for Ataxia-telangiectasia syndrome. Last evaluated: 2023-03-16. Review status: criteria provided, single submitter. Criteria: Invitae Variant Classification Sherloc (09022015). Collection method: clinical testing. Allele origin: germline.
Comment: In summary, the available evidence is currently insufficient to determine the role of this variant in disease. Therefore, it has been classified as a Variant of Uncertain Significance. Algorithms developed to predict the effect of missense changes on protein structure and function output the following: SIFT: "Not Available"; PolyPhen-2: "Benign"; Align-GVGD: "Not Available". The valine amino acid residue is found in multiple mammalian species, which suggests that this missense change does not adversely affect protein function. ClinVar contains an entry for this variant (Variation ID: 1055214). This variant has not been reported in the literature in individuals affected with ATM-related conditions. This variant is present in population databases (rs780941782, gnomAD no frequency). This sequence change replaces isoleucine, which is neutral and non-polar, with valine, which is neutral and non-polar, at codon 136 of the ATM protein (p.Ile136Val).

Ambry Genetics
Classification: Likely benign for Hereditary cancer-predisposing syndrome. Last evaluated: 2022-04-01. Review status: criteria provided, single submitter. Criteria: Ambry Variant Classification Scheme 2023. Collection method: clinical testing. Allele origin: germline.

NM_000051.4(ATM):c.406A>G (p.Ile136Val)

Gene: ATM (ATM serine/threonine kinase; plus strand). Cytogenetic location: 11q22.3.
Variant type: single nucleotide variant.
Coding change: c.406A>G on transcript NM_000051.4 (MANE Select); coding-DNA position 406, A replaced by G.
Protein change: p.Ile136Val; replaces isoleucine 136 with valine.
Molecular consequence: missense variant.
Genome position (GRCh38, 1-based): chr11:108,235,744, A>G. VCF-style: chr11-108235744-A-G. GRCh37 (hg19) VCF-style: chr11-108106471-A-G.
Other names: c.406A>G, p.Ile136Val (NM_001351834.2); short protein forms I136V.
Identifiers: ClinVar variation 1055214 (VCV001055214.9), dbSNP rs780941782, ClinGen allele CA6264600.